The following is an entry in ClinVar:

ClinVar aggregate classification (germline): Uncertain significance. Review status: criteria provided, multiple submitters, no conflicts (2 of 4 stars). 5 submissions from 5 submitters: Uncertain significance (4). 1 of the submissions does not count toward it. Last evaluated 2025-12-19.

Conditions:
Hereditary cancer-predisposing syndrome. Also called: Neoplastic Syndromes, Hereditary; Tumor predisposition; Hereditary neoplastic syndrome; Hereditary Cancer Syndrome. Identifiers: Orphanet 140162, MedGen C0027672, MeSH D009386, MONDO:0015356.
BRIP1-related disorder. Also called: BRIP1-related condition; BRIP1-related disorders. Identifiers: MedGen CN239206.
Familial cancer of breast. Also called: BREAST CANCER, FAMILIAL; hereditary breast carcinoma; Hereditary breast cancer. Identifiers: Orphanet 227535, MedGen C0346153, MONDO:0016419, OMIM 114480. Disease mechanism: loss of function.
Fanconi anemia complementation group J. Also called: BRIP1-Related Fanconi Anemia. Identifiers: Orphanet 84, MedGen C1836860, MONDO:0012187, OMIM 609054.

Allele frequency attached by ClinVar (database versions not stated): 1000 Genomes Project 30x 0.00031; TOPMed 0.00001; gnomAD 0.00001; 1000 Genomes Project 0.00020.
gnomAD v4.1: 8 of 1,613,470 alleles (0.0005%); highest among the groups gnomAD compares: East Asian, 0.0022%; no homozygotes.

Submissions (5):

Ambry Genetics
Classification: Uncertain significance for Hereditary cancer-predisposing syndrome. Last evaluated: 2025-12-19. Review status: criteria provided, single submitter. Criteria: Ambry Variant Classification Scheme 2023. Collection method: clinical testing. Allele origin: germline.
Comment: The p.R707H variant (also known as c.2120G>A), located in coding exon 14 of the BRIP1 gene, results from a G to A substitution at nucleotide position 2120. The arginine at codon 707 is replaced by histidine, an amino acid with highly similar properties. This amino acid position is highly conserved in available vertebrate species. In addition, the in silico prediction for this alteration is inconclusive. Based on the available evidence, the clinical significance of this variant remains unclear.

Labcorp Genetics (formerly Invitae), Labcorp
Classification: Uncertain significance for Familial cancer of breast; Fanconi anemia complementation group J. Last evaluated: 2025-11-09. Review status: criteria provided, single submitter. Criteria: Invitae Variant Classification Sherloc (09022015). Collection method: clinical testing. Allele origin: germline.
Comment: This sequence change replaces arginine, which is basic and polar, with histidine, which is basic and polar, at codon 707 of the BRIP1 protein (p.Arg707His). This variant is present in population databases (rs200313471, gnomAD 0.007%). This missense change has been observed in individual(s) with breast cancer (PMID: 26976419). ClinVar contains an entry for this variant (Variation ID: 422038). Invitae Evidence Modeling of protein sequence and biophysical properties (such as structural, functional, and spatial information, amino acid conservation, physicochemical variation, residue mobility, and thermodynamic stability) has been performed for this missense variant. However, the output from this modeling did not meet the statistical confidence thresholds required to predict the impact of this variant on BRIP1 protein function. In summary, the available evidence is currently insufficient to determine the role of this variant in disease. Therefore, it has been classified as a Variant of Uncertain Significance.

Color Diagnostics, LLC DBA Color Health
Classification: Uncertain significance for Hereditary cancer-predisposing syndrome. Last evaluated: 2019-04-25. Review status: criteria provided, single submitter. Criteria: ACMG Guidelines, 2015. Collection method: clinical testing. Allele origin: germline.

GeneDx
Classification: Uncertain significance. Last evaluated: 2019-04-15. Review status: criteria provided, single submitter. Criteria: GeneDx Variant Classification Process June 2021. Collection method: clinical testing. Allele origin: germline. Affected: yes.
Comment: Not observed at a significant frequency in large population cohorts (Lek et al., 2016); This variant is associated with the following publications: (PMID: 26976419)

PreventionGenetics, part of Exact Sciences
Classification: Uncertain significance for BRIP1-related condition. Last evaluated: 2024-02-12. Review status: no assertion criteria provided. Collection method: clinical testing. Allele origin: germline. Not counted in ClinVar's aggregate classification.
Comment: The BRIP1 c.2120G>A variant is predicted to result in the amino acid substitution p.Arg707His. This variant was reported in an individual with breast cancer (Tung et al 2016. PubMed ID: 26976419) and in an individual with prostate cancer (Momozawa et al 2020. PubMed ID: 31214711, Supplementary Table 6). This variant is reported in 0.0029% of alleles in individuals of Latino descent in gnomAD. This variant has an interpretation of uncertain significance in ClinVar. At this time, the clinical significance of this variant is uncertain due to the absence of conclusive functional and genetic evidence.

Literature cited by the submitters: PubMed 26976419 (cited by Ambry Genetics and Labcorp Genetics (formerly Invitae), Labcorp); PubMed 31214711 (cited by Ambry Genetics).

NM_032043.3(BRIP1):c.2120G>A (p.Arg707His)

Gene: BRIP1 (BRCA1 interacting DNA helicase 1; minus strand). Cytogenetic location: 17q23.2.
Variant type: single nucleotide variant.
Coding change: c.2120G>A on transcript NM_032043.3 (MANE Select); coding-DNA position 2120, G replaced by A.
Protein change: p.Arg707His; replaces arginine 707 with histidine.
Molecular consequence: missense variant.
Genome position (GRCh38, 1-based): chr17:61,744,569, C>T on the plus strand (G>A on the coding strand, the complement: BRIP1 is on the minus strand). VCF-style: chr17-61744569-C-T. GRCh37 (hg19) VCF-style: chr17-59821930-C-T.
Other names: short protein forms R707H.
Identifiers: ClinVar variation 422038 (VCV000422038.25), dbSNP rs200313471, ClinGen allele CA8690586.